The following is an entry in ClinVar:

NM_000384.3(APOB):c.7425del (p.Thr2476fs)

Gene: APOB (apolipoprotein B; minus strand). Cytogenetic location: 2p24.1.
Variant type: Deletion.
Coding change: c.7425del on transcript NM_000384.3 (MANE Select); coding-DNA position 7425, one base deleted (C; older notation c.7425delC).
Protein change: p.Thr2476fs; shifts the reading frame from threonine 2476.
Molecular consequence: frameshift variant.
Genome position (GRCh38, 1-based): chr2:21,009,443, G deleted on the plus strand (C on the coding strand, the reverse complement: APOB is on the minus strand); the first of 2 consecutive G bases (chr2:21,009,443-21,009,444); deleting either gives the same sequence. VCF-style (leftmost placement, unchanged base first): chr2-21009442-TG-T. GRCh37 (hg19) VCF-style: chr2-21232314-TG-T.
Other names: short protein forms T2476fs.
Identifiers: ClinVar variation 2927629 (VCV002927629.1), dbSNP rs2465368920, ClinGen allele CA2740092732.

ClinVar aggregate classification (germline): Pathogenic (1 of 4 stars; one submission).

Conditions:
Hypercholesterolemia, autosomal dominant, type B (FHCL2). Also called: APOB-Related Familial Hypercholesterolemia, Autosomal Dominant; Familial Hypercholesterolemia Type B; APOLIPOPROTEIN B-100, FAMILIAL DEFECTIVE; APOLIPOPROTEIN B-100, FAMILIAL LIGAND-DEFECTIVE; HYPERCHOLESTEROLEMIA, FAMILIAL, DUE TO LIGAND-DEFECTIVE APOLIPOPROTEIN B; Hyperlipoproteinemia Type IIb. Identifiers: MedGen C1704417, MONDO:0007751, OMIM 144010.
Familial hypobetalipoproteinemia 1. Also called: Hypobetalipoproteinemia, normotriglyceridemic; Acanthocytosis with hypobetalipoproteinemia; APOB-Related Familial Hypobetalipoproteinemia. Identifiers: MedGen C4551990, MONDO:0014252, OMIM 615558.

Submission:

Labcorp Genetics (formerly Invitae), Labcorp
Classification: Pathogenic for Familial hypobetalipoproteinemia 1; Hypercholesterolemia, autosomal dominant, type B. Last evaluated: 2023-10-17. Review status: criteria provided, single submitter. Criteria: Invitae Variant Classification Sherloc (09022015). Collection method: clinical testing. Allele origin: germline.
Comment: This sequence change creates a premature translational stop signal (p.Thr2476Glnfs*14) in the APOB gene. It is expected to result in an absent or disrupted protein product. Loss-of-function variants in APOB are known to be pathogenic (PMID: 20032471). This variant is not present in population databases (gnomAD no frequency). This variant has not been reported in the literature in individuals affected with APOB-related conditions. For these reasons, this variant has been classified as Pathogenic.

Literature cited by the submitters: PubMed 20032471.